The following is an entry in ClinVar:

NM_001130823.3(DNMT1):c.3576G>A (p.Ala1192=)

Gene: DNMT1 (DNA methyltransferase 1; minus strand). Cytogenetic location: 19p13.2.
Variant type: single nucleotide variant.
Coding change: c.3576G>A on transcript NM_001130823.3 (MANE Select); coding-DNA position 3576, G replaced by A.
Protein change: p.Ala1192=; no amino-acid change (alanine 1192 retained).
Molecular consequence: synonymous variant.
Genome position (GRCh38, 1-based): chr19:10,140,276, C>T on the plus strand (G>A on the coding strand, the complement: DNMT1 is on the minus strand). VCF-style: chr19-10140276-C-T. GRCh37 (hg19) VCF-style: chr19-10250952-C-T.
Other names: c.3528G>A, p.Ala1176= (NM_001318730.2, NM_001379.4); c.3213G>A, p.Ala1071= (NM_001318731.2).
Identifiers: ClinVar variation 707409 (VCV000707409.34), dbSNP rs772752543, ClinGen allele CA9187705.

ClinVar aggregate classification (germline): Likely benign. Review status: criteria provided, multiple submitters, no conflicts (2 of 4 stars). 2 submissions from 2 submitters: Likely benign (2). Last evaluated 2026-09-01.

Conditions:
Hereditary sensory neuropathy-deafness-dementia syndrome. Also called: Hereditary sensory neuropathy type IE; Hereditary Sensory and Autonomic Neuropathy Type 1E (HSAN1E); HSN IE; NEUROPATHY, HEREDITARY SENSORY, WITH HEARING LOSS AND DEMENTIA. Identifiers: Orphanet 456318, MedGen C3279885, MONDO:0013584, OMIM 614116.

Allele frequency attached by ClinVar (database versions not stated): ExAC 0.00005; gnomAD exomes 0.00006; TOPMed 0.00007; gnomAD 0.00011.
gnomAD v4.1: 108 of 1,614,010 alleles (0.0067%); highest among the groups gnomAD compares: Admixed American, 0.0083%; no homozygotes.

Submissions (2):

CeGaT Center for Human Genetics Tuebingen
Classification: Likely benign. Last evaluated: 2026-09-01. Review status: criteria provided, single submitter. Criteria: CeGaT Center For Human Genetics Tuebingen Variant Classification Criteria Version 2. Collection method: clinical testing. Allele origin: germline. Affected: yes. Observed: 2 variant alleles.
Comment: DNMT1: BP4, BP7

Labcorp Genetics (formerly Invitae), Labcorp
Classification: Likely benign for Hereditary sensory neuropathy-deafness-dementia syndrome. Last evaluated: 2025-03-19. Review status: criteria provided, single submitter. Criteria: Invitae Variant Classification Sherloc (09022015). Collection method: clinical testing. Allele origin: germline.